The following is an entry in ClinVar:

NM_006269.2(RP1):c.314T>C (p.Leu105Pro)

Gene: RP1 (RP1 axonemal microtubule associated; plus strand). Cytogenetic location: 8q12.1.
Variant type: single nucleotide variant.
Coding change: c.314T>C on transcript NM_006269.2 (MANE Select); coding-DNA position 314, T replaced by C.
Protein change: p.Leu105Pro; replaces leucine 105 with proline.
Molecular consequence: missense variant.
Genome position (GRCh38, 1-based): chr8:54,621,280, T>C. VCF-style: chr8-54621280-T-C. GRCh37 (hg19) VCF-style: chr8-55533840-T-C.
Other names: c.314T>C, p.Leu105Pro (NM_001375654.1); short protein forms L105P.
Identifiers: ClinVar variation 867212 (VCV000867212.13), dbSNP rs760751066, ClinGen allele CA4751115.

ClinVar aggregate classification (germline): Conflicting classifications of pathogenicity. Review status: criteria provided, conflicting classifications (1 of 4 stars). 3 submissions from 3 submitters: Likely pathogenic (1); Uncertain significance (2). Last evaluated 2023-11-16.

Conditions:
RP1-related disorder. Also called: RP1-related condition.
Retinitis pigmentosa (RP). Identifiers: Orphanet 791, MedGen C0035334, MeSH D012174, MONDO:0019200, OMIM 268000. Inheritance: Autosomal dominant, autosomal recessive and X linked inheritance.

Allele frequency attached by ClinVar (database versions not stated): gnomAD exomes 0.00001; ExAC 0.00002.
gnomAD v4.1: 5 of 1,614,010 alleles (0.00031%); highest among the groups gnomAD compares: Non-Finnish European, 0.00034%; no homozygotes.

Submissions (3):

Blueprint Genetics
Classification: Likely pathogenic for RP1-related disorders. Last evaluated: 2023-11-16. Review status: criteria provided, single submitter. Criteria: ACMG Guidelines, 2015. Collection method: clinical testing. Allele origin: germline. Affected: yes. Observed: 5 variant alleles.

Labcorp Genetics (formerly Invitae), Labcorp
Classification: Uncertain significance. Last evaluated: 2023-11-16. Review status: criteria provided, single submitter. Criteria: Invitae Variant Classification Sherloc (09022015). Collection method: clinical testing. Allele origin: germline.
Comment: This sequence change replaces leucine, which is neutral and non-polar, with proline, which is neutral and non-polar, at codon 105 of the RP1 protein (p.Leu105Pro). This variant is present in population databases (rs760751066, gnomAD 0.0009%). This variant has not been reported in the literature in individuals affected with RP1-related conditions. ClinVar contains an entry for this variant (Variation ID: 867212). An algorithm developed to predict the effect of missense changes on protein structure and function (PolyPhen-2) suggests that this variant is likely to be disruptive. In summary, the available evidence is currently insufficient to determine the role of this variant in disease. Therefore, it has been classified as a Variant of Uncertain Significance.

Illumina Laboratory Services, Illumina
Classification: Uncertain significance for Retinitis pigmentosa. Last evaluated: 2018-01-12. Review status: criteria provided, single submitter. Criteria: ICSL Variant Classification Criteria 13 December 2019. Collection method: clinical testing. Allele origin: germline.